The following is an entry in ClinVar:

ClinVar aggregate classification (germline): Uncertain significance. Review status: reviewed by expert panel (3 of 4 stars). 4 submissions from 4 submitters: Uncertain significance (1). 3 of the submissions do not count toward it. Last evaluated 2025-12-16.

Conditions:
GP1BA-related disorders.
Bernard Soulier syndrome (BSS). Also called: BLEEDING DISORDER, PLATELET-TYPE, 1; GLYCOPROTEIN Ib, PLATELET, DEFICIENCY OF; PLATELET GLYCOPROTEIN Ib DEFICIENCY; VON WILLEBRAND FACTOR RECEPTOR DEFICIENCY; Giant platelet syndrome; Hemorrhagiparous thrombocytic dystrophy. Identifiers: Orphanet 274, MedGen C0005129, MeSH D001606, MONDO:0009276, OMIM 231200.
Bernard-Soulier syndrome, type A2, autosomal dominant (BSSA2). Also called: Bernard-Soulier syndrome, type A2 (dominant). Identifiers: Orphanet 274, MedGen C3277076, MONDO:0007930, OMIM 153670.
Nonarteritic anterior ischemic optic neuropathy, susceptibility to (NAION). Also called: NAION, SUSCEPTIBILITY TO; OPTIC NEUROPATHY, ANTERIOR ISCHEMIC, SUSCEPTIBILITY TO. Identifiers: MedGen C1847711, MONDO:0009789, OMIM 258660.
Pseudo von Willebrand disease (VWDP). Also called: Platelet-type von Willebrand disease; BLEEDING DISORDER, PLATELET-TYPE, 3. Identifiers: Orphanet 52530, MedGen C1280798, MONDO:0008332, OMIM 177820.

Allele frequency attached by ClinVar (database versions not stated): gnomAD exomes below 0.00001.

Submissions (4):

ClinGen Platelet Disorders Variant Curation Expert Panel, ClinGen
Classification: Uncertain significance for Bernard Soulier syndrome. Last evaluated: 2025-12-16. Review status: reviewed by expert panel. Criteria: ClinGen Platelet ACMG Specifications GP1BA V1.0.0. Collection method: curation. Allele origin: germline. Inheritance: Autosomal recessive inheritance.
Comment: The NM_000173.7(GP1BA):c.376A>G (p.Asn126Asp) variant is a missense variant that has been observed in the homozygous state in at least two probands in the literature with Bernard-Soulier syndrome (PMID:24934643, PP4; 0.5 points PM3, PMID:24934643; 0.5 points PM3, PMID:21993687, Total 1 point PM3, PM3). The allele frequency in gnomAD v4.1 is 0.0000008475 (based on 1/1179886 alleles) in the European (non-Finnish) population, which is lower than the ClinGen PD VCEP threshold for PM2_Supporting (<0.00006517). In summary, this variant meets the criteria to be classified as a variant of uncertain significance for autosomal recessive Bernard-Soulier syndrome. ACMG/AMP criteria applied, as specified by the ClinGen Platelet Disorders VCEP (specifications version 1.0): PM3, PP4, PM2_Supporting.

Fulgent Genetics
Classification: Likely pathogenic for Bernard-Soulier syndrome, type A2, autosomal dominant; Pseudo von Willebrand disease; Bernard Soulier syndrome; Nonarteritic anterior ischemic optic neuropathy, susceptibility to. Last evaluated: 2024-04-22. Review status: criteria provided, single submitter. Criteria: ACMG Guidelines, 2015. Collection method: clinical testing. Allele origin: germline. Not counted in ClinVar's aggregate classification.

Women's Health and Genetics/Laboratory Corporation of America, LabCorp
Classification: Pathogenic for Bernard Soulier syndrome. Last evaluated: 2024-04-22. Review status: criteria provided, single submitter. Criteria: LabCorp Variant Classification Summary - May 2015. Collection method: clinical testing. Allele origin: germline. Not counted in ClinVar's aggregate classification.
Comment: Variant summary: GP1BA c.376A>G (p.Asn126Asp) results in a conservative amino acid change in the encoded protein sequence. Four of five in-silico tools predict a damaging effect of the variant on protein function. The variant was absent in 249218 control chromosomes (gnomAD). c.376A>G has been reported in the literature in individuals affected with Bernard Soulier Syndrome (e.g. Savoia_2011, Vettore_2011). These data indicate that the variant is likely to be associated with disease. At least one publication reports experimental evidence evaluating an impact on protein expression in patient cells, finding a loss of GP1BA protein and mRNA expression, as well as a loss of GP1BB protein (Vettore_2011). The following publications have been ascertained in the context of this evaluation (PMID: 21173099, 21993687). No submitters have cited clinical-significance assessments for this variant to ClinVar. Based on the evidence outlined above, the variant was classified as pathogenic.

Blueprint Genetics
Classification: Likely pathogenic for GP1BA-related disorders. Last evaluated: 2024-03-18. Review status: criteria provided, single submitter. Criteria: ACMG Guidelines, 2015. Collection method: clinical testing. Allele origin: germline. Affected: yes. Observed: 1 variant allele. Not counted in ClinVar's aggregate classification.

Literature cited by the submitters: PubMed 21173099 (cited by Women's Health and Genetics/Laboratory Corporation of America, LabCorp); PubMed 21993687 (cited by Women's Health and Genetics/Laboratory Corporation of America, LabCorp).

NM_000173.7(GP1BA):c.376A>G (p.Asn126Asp)

Gene: GP1BA (glycoprotein Ib platelet subunit alpha; plus strand). Cytogenetic location: 17p13.2.
Variant type: single nucleotide variant.
Coding change: c.376A>G on transcript NM_000173.7 (MANE Select); coding-DNA position 376, A replaced by G.
Protein change: p.Asn126Asp; replaces asparagine 126 with aspartic acid.
Molecular consequence: missense variant.
Genome position (GRCh38, 1-based): chr17:4,932,980, A>G. VCF-style: chr17-4932980-A-G. GRCh37 (hg19) VCF-style: chr17-4836275-A-G.
Other names: NM_000173.7(GP1BA):c.376A>G; p.Asn126Asp; short protein forms N126D.
Identifiers: ClinVar variation 3251816 (VCV003251816.3), dbSNP rs2507592346.